The following is an entry in ClinVar:

ClinVar aggregate classification (germline): Uncertain significance (1 of 4 stars; one submission).

Conditions:
Inborn genetic diseases. Identifiers: MedGen C0950123, MeSH D030342.

Submission:

Ambry Genetics
Classification: Uncertain significance for Inborn genetic diseases. Last evaluated: 2026-07-07. Review status: criteria provided, single submitter. Criteria: Ambry Variant Classification Scheme 2023. Collection method: clinical testing. Allele origin: germline.
Comment: The p.Q1243H variant (also known as c.3729G>T), located in coding exon 27 of the RYR1 gene, results from a G to T substitution at nucleotide position 3729. The glutamine at codon 1243 is replaced by histidine, an amino acid with highly similar properties. This amino acid position is conserved. In addition, the in silico prediction for this alteration is inconclusive. Based on the available evidence, the clinical significance of this variant remains unclear.

NM_000540.3(RYR1):c.3729G>T (p.Gln1243His)

Gene: RYR1 (ryanodine receptor 1; plus strand). Cytogenetic location: 19q13.2.
Variant type: single nucleotide variant.
Coding change: c.3729G>T on transcript NM_000540.3 (MANE Select); coding-DNA position 3729, G replaced by T.
Protein change: p.Gln1243His; replaces glutamine 1243 with histidine.
Molecular consequence: missense variant.
Genome position (GRCh38, 1-based): chr19:38,469,477, G>T. VCF-style: chr19-38469477-G-T. GRCh37 (hg19) VCF-style: chr19-38960117-G-T.
Other names: c.3729G>T, p.Gln1243His (NM_001042723.2); short protein forms Q1243H.
Identifiers: ClinVar variation 5028640 (VCV005028640.1).